The following is an entry in ClinVar:

ClinVar aggregate classification (germline): Conflicting classifications of pathogenicity. Review status: criteria provided, conflicting classifications (1 of 4 stars). 3 submissions from 3 submitters: Uncertain significance (2); Benign (1). Last evaluated 2025-12-29.

Conditions:
Distal myopathy with posterior leg and anterior hand involvement. Also called: WILLIAMS DISTAL MYOPATHY. Identifiers: Orphanet 63273, MedGen C3279722, MONDO:0013550, OMIM 614065.
Myofibrillar myopathy 5. Also called: Filaminopathy (type); FILAMINOPATHY, AUTOSOMAL DOMINANT. Identifiers: Orphanet 171445, MedGen C1836050, MONDO:0012289, OMIM 609524.
Hypertrophic cardiomyopathy 26. Also called: Cardiomyopathy, familial hypertrophic, 26. Identifiers: Orphanet 75249, MedGen C4310749, MONDO:0014883, OMIM 617047.

Allele frequency attached by ClinVar (database versions not stated): TOPMed below 0.00001.
gnomAD v4.1: 5 of 1,614,184 alleles (0.00031%); highest among the groups gnomAD compares: African/African-American, 0.0013%; no homozygotes.

Submissions (3):

Labcorp Genetics (formerly Invitae), Labcorp
Classification: Benign for Distal myopathy with posterior leg and anterior hand involvement; Myofibrillar myopathy 5; Hypertrophic cardiomyopathy 26. Last evaluated: 2025-12-29. Review status: criteria provided, single submitter. Criteria: Invitae Variant Classification Sherloc (09022015). Collection method: clinical testing. Allele origin: germline.

Blueprint Genetics
Classification: Uncertain significance. Last evaluated: 2022-09-05. Review status: criteria provided, single submitter. Criteria: ACMG Guidelines, 2015. Collection method: clinical testing. Allele origin: germline.

GeneDx
Classification: Uncertain significance. Last evaluated: 2021-06-07. Review status: criteria provided, single submitter. Criteria: GeneDx Variant Classification Process June 2021. Collection method: clinical testing. Allele origin: germline. Affected: yes.
Comment: Has not been previously published as pathogenic or benign to our knowledge; Not observed at significant frequency in large population cohorts (Lek et al., 2016); In silico analysis supports that this missense variant has a deleterious effect on protein structure/function; This variant is associated with the following publications: (PMID: 27535533)

NM_001458.5(FLNC):c.7483C>T (p.Arg2495Cys)

Genes: FLNC (filamin C; plus strand), FLNC-AS1 (FLNC antisense RNA 1; minus strand). Cytogenetic location: 7q32.1.
Variant type: single nucleotide variant.
Coding change: c.7483C>T on transcript NM_001458.5 (MANE Select); coding-DNA position 7483, C replaced by T.
Protein change: p.Arg2495Cys; replaces arginine 2495 with cysteine.
Molecular consequence: missense variant.
Genome position (GRCh38, 1-based): chr7:128,856,843, C>T. VCF-style: chr7-128856843-C-T. GRCh37 (hg19) VCF-style: chr7-128496897-C-T.
Other names: c.7384C>T, p.Arg2462Cys (NM_001127487.2); short protein forms R2462C, R2495C.
Identifiers: ClinVar variation 1327888 (VCV001327888.8), dbSNP rs374925943, ClinGen allele CA4476278.